The following is an entry in ClinVar:

ClinVar aggregate classification (germline): Uncertain significance (1 of 4 stars; one submission).

Conditions:
Polycystic kidney disease, adult type (PKD1). Also called: Polycystic Kidney Disease 1, Autosomal Dominant; Polycystic kidney disease 1; Polycystic kidney disease 1, severe; Polycystic Kidney, Autosomal Dominant; POLYCYSTIC KIDNEY DISEASE 1 WITH OR WITHOUT POLYCYSTIC LIVER DISEASE; POLYCYSTIC KIDNEY DISEASE, ADULT, TYPE I. Identifiers: MedGen C3149841, MONDO:0008263, OMIM 173900.

Submission:

MVZ Medizinische Genetik Mainz
Classification: Uncertain significance for Polycystic kidney disease, adult type. Last evaluated: 2021-10-27. Review status: criteria provided, single submitter. Criteria: UK Practice Guidelines For Variant Classification V4 01 2020. Collection method: clinical testing. Allele origin: germline. Inheritance: Autosomal dominant inheritance. Observed: 1 variant allele.
Comment: ACMG Criteria: PM4, PM2_SUP, PP3, PP4 (ACMG Version 3)

NM_001009944.3(PKD1):c.1282_1296del (p.Ala428_Ala432del)

Gene: PKD1 (polycystin 1, transient receptor potential channel interacting; minus strand). Cytogenetic location: 16p13.3.
Variant type: Deletion.
Coding change: c.1282_1296del on transcript NM_001009944.3 (MANE Select); coding-DNA positions 1282 to 1296, 15 bases deleted (GCCTGGCTGCAGGCG).
Protein change: p.Ala428_Ala432del.
Molecular consequence: inframe deletion.
Genome position (GRCh38, 1-based): chr16:2,117,578-2,117,592, CGCCTGCAGCCAGGC deleted on the plus strand (GCCTGGCTGCAGGCG on the coding strand, the reverse complement: PKD1 is on the minus strand); deleting any 15 consecutive bases within chr16:2,117,578-2,117,597 gives the same sequence; the c. name uses the placement nearest the transcript's 3' end. VCF-style (leftmost placement, unchanged base first): chr16-2117577-GCGCCTGCAGCCAGGC-G. GRCh37 (hg19) VCF-style: chr16-2167578-GCGCCTGCAGCCAGGC-G.
Other names: c.1282_1296del, p.Ala428_Ala432del (NM_000296.4).
Identifiers: ClinVar variation 3236005 (VCV003236005.1), dbSNP rs2544876125, ClinGen allele CA2825002378.